The following is an entry in ClinVar:

NM_006785.4(MALT1):c.71C>T (p.Pro24Leu)

Genes: MALT1 (MALT1 paracaspase; plus strand), MALT1-AS1 (MALT1 antisense RNA 1; minus strand), LOC130062586 (ATAC-STARR-seq lymphoblastoid silent region 9487; plus strand). Cytogenetic location: 18q21.32.
Variant type: single nucleotide variant.
Coding change: c.71C>T on transcript NM_006785.4 (MANE Select); coding-DNA position 71, C replaced by T.
Protein change: p.Pro24Leu; replaces proline 24 with leucine.
Molecular consequence: missense variant. On other transcripts: non-coding transcript variant (1).
Genome position (GRCh38, 1-based): chr18:58,671,714, C>T. VCF-style: chr18-58671714-C-T. GRCh37 (hg19) VCF-style: chr18-56338946-C-T.
Other names: c.71C>T, p.Pro24Leu (NM_173844.3); short protein forms P24L.
Identifiers: ClinVar variation 1508323 (VCV001508323.7), dbSNP rs1172405267, ClinGen allele CA402570714.

ClinVar aggregate classification (germline): Uncertain significance (1 of 4 stars; one submission).

Conditions:
Combined immunodeficiency due to MALT1 deficiency. Also called: Immunodeficiency 12. Identifiers: Orphanet 397964, MedGen C3809583, MONDO:0014197, OMIM 615468.

Allele frequency attached by ClinVar (database versions not stated): gnomAD 0.00001.
gnomAD v4.1: 16 of 1,275,656 alleles (0.0013%); highest among the groups gnomAD compares: Non-Finnish European, 0.0014%; no homozygotes.

Submission:

Labcorp Genetics (formerly Invitae), Labcorp
Classification: Uncertain significance for Combined immunodeficiency due to MALT1 deficiency. Last evaluated: 2021-03-26. Review status: criteria provided, single submitter. Criteria: Invitae Variant Classification Sherloc (09022015). Collection method: clinical testing. Allele origin: germline.
Comment: In summary, the available evidence is currently insufficient to determine the role of this variant in disease. Therefore, it has been classified as a Variant of Uncertain Significance. Algorithms developed to predict the effect of missense changes on protein structure and function are either unavailable or do not agree on the potential impact of this missense change (SIFT: "Tolerated"; PolyPhen-2: "Possibly Damaging"; Align-GVGD: "Class C0"). This variant has not been reported in the literature in individuals with MALT1-related conditions. The frequency data for this variant in the population databases is considered unreliable, as metrics indicate insufficient coverage at this position in the ExAC database. This sequence change replaces proline with leucine at codon 24 of the MALT1 protein (p.Pro24Leu). The proline residue is moderately conserved and there is a moderate physicochemical difference between proline and leucine.